The following is an entry in ClinVar:

NM_001378778.1(MPDZ):c.5767G>A (p.Gly1923Ser)

Gene: MPDZ (multiple PDZ domain crumbs cell polarity complex component; minus strand). Cytogenetic location: 9p23.
Variant type: single nucleotide variant.
Coding change: c.5767G>A on transcript NM_001378778.1 (MANE Select); coding-DNA position 5767, G replaced by A.
Protein change: p.Gly1923Ser; replaces glycine 1923 with serine.
Molecular consequence: missense variant.
Genome position (GRCh38, 1-based): chr9:13,110,698, C>T on the plus strand (G>A on the coding strand, the complement: MPDZ is on the minus strand). VCF-style: chr9-13110698-C-T. GRCh37 (hg19) VCF-style: chr9-13110697-C-T.
Other names: c.5668G>A, p.Gly1890Ser (NM_001261406.2, NM_001375416.1, NM_001375417.1 and 1 more transcripts); c.5581G>A, p.Gly1861Ser (NM_001261407.2, NM_001375419.1); c.5767G>A, p.Gly1923Ser (NM_001330637.2); c.5866G>A, p.Gly1956Ser (NM_001375413.1); c.5557G>A, p.Gly1853Ser (NM_001375420.1, NM_001375421.1, NM_001375422.1 and 2 more transcripts); c.5470G>A, p.Gly1824Ser (NM_001375425.1, NM_001375426.1); c.5359G>A, p.Gly1787Ser (NM_001375427.1); c.5680G>A, p.Gly1894Ser (NM_003829.5); short protein forms G1824S, G1853S, G1894S, G1787S, G1861S, G1890S, G1923S, G1956S.
Identifiers: ClinVar variation 1936179 (VCV001936179.5), dbSNP rs371132038, ClinGen allele CA189267828.

ClinVar aggregate classification (germline): Uncertain significance (1 of 4 stars; one submission).

Allele frequency attached by ClinVar (database versions not stated): gnomAD exomes below 0.00001.
gnomAD v4.1: 3 of 1,613,592 alleles (0.00019%); highest among the groups gnomAD compares: African/African-American, 0.0027%; no homozygotes.

Submission:

Labcorp Genetics (formerly Invitae), Labcorp
Classification: Uncertain significance. Last evaluated: 2025-11-10. Review status: criteria provided, single submitter. Criteria: Invitae Variant Classification Sherloc (09022015). Collection method: clinical testing. Allele origin: germline.
Comment: This sequence change replaces glycine, which is neutral and non-polar, with serine, which is neutral and polar, at codon 1894 of the MPDZ protein (p.Gly1894Ser). This variant is not present in population databases (gnomAD no frequency). This variant has not been reported in the literature in individuals affected with MPDZ-related conditions. ClinVar contains an entry for this variant (Variation ID: 1936179). An algorithm developed to predict the effect of missense changes on protein structure and function (PolyPhen-2) suggests that this variant is likely to be disruptive. In summary, the available evidence is currently insufficient to determine the role of this variant in disease. Therefore, it has been classified as a Variant of Uncertain Significance.